The following is an entry in ClinVar:

NC_000009.11:g.(?_80921210)_(80923519_?)del

Gene: PSAT1 (phosphoserine aminotransferase 1; plus strand). Cytogenetic location: 9q21.2.
Variant type: Deletion.
Identifiers: ClinVar variation 2427167 (VCV002427167.4).

ClinVar aggregate classification (germline): Pathogenic (1 of 4 stars; one submission).

Conditions:
Neu-Laxova syndrome 2. Identifiers: Orphanet 2671, Orphanet 583602, MedGen C4015019, MONDO:0014466, OMIM 616038.

Submission:

Labcorp Genetics (formerly Invitae), Labcorp
Classification: Pathogenic for Neu-Laxova syndrome 2. Last evaluated: 2023-06-07. Review status: criteria provided, single submitter. Criteria: Invitae Variant Classification Sherloc (09022015). Collection method: clinical testing. Allele origin: germline.
Comment: For these reasons, this variant has been classified as Pathogenic. This variant has not been reported in the literature in individuals affected with PSAT1-related conditions. This variant is a gross deletion of the genomic region encompassing exon(s) 5-6 of the PSAT1 gene. This deletion is out-of-frame, and is expected to create a premature termination codon and result in an absent or disrupted protein product. Loss-of-function variants in PSAT1 are known to be pathogenic (PMID: 17436247, 25152457).

Literature cited by the submitters: PubMed 17436247; PubMed 25152457.